The following is an entry in ClinVar:

ClinVar aggregate classification (germline): Uncertain significance (1 of 4 stars; one submission).

Allele frequency attached by ClinVar (database versions not stated): TOPMed below 0.00001.
gnomAD v4.1: 3 of 1,614,060 alleles (0.00019%); highest among the groups gnomAD compares: Non-Finnish European, 0.00025%; no homozygotes.

Submission:

Ambry Genetics
Classification: Uncertain significance. Last evaluated: 2022-05-20. Review status: criteria provided, single submitter. Criteria: Ambry Variant Classification Scheme 2023. Collection method: clinical testing. Allele origin: germline.
Comment: The p.A535D variant (also known as c.1604C>A), located in coding exon 3 of the ALPK2 gene, results from a C to A substitution at nucleotide position 1604. The alanine at codon 535 is replaced by aspartic acid, an amino acid with dissimilar properties. This amino acid position is conserved. In addition, this alteration is predicted to be tolerated by in silico analysis. Since supporting evidence is limited at this time, the clinical significance of this alteration remains unclear.

NM_052947.4(ALPK2):c.1604C>A (p.Ala535Asp)

Gene: ALPK2 (alpha kinase 2; minus strand). Cytogenetic location: 18q21.31.
Variant type: single nucleotide variant.
Coding change: c.1604C>A on transcript NM_052947.4 (MANE Select); coding-DNA position 1604, C replaced by A.
Protein change: p.Ala535Asp; replaces alanine 535 with aspartic acid.
Molecular consequence: missense variant.
Genome position (GRCh38, 1-based): chr18:58,579,172, G>T on the plus strand (C>A on the coding strand, the complement: ALPK2 is on the minus strand). VCF-style: chr18-58579172-G-T. GRCh37 (hg19) VCF-style: chr18-56246404-G-T.
Other names: short protein forms A535D.
Identifiers: ClinVar variation 1776234 (VCV001776234.2), dbSNP rs770120575, ClinGen allele CA402561667.